The following is an entry in ClinVar:

ClinVar aggregate classification (germline): Uncertain significance (1 of 4 stars; one submission).

Submission:

Ambry Genetics
Classification: Uncertain significance. Last evaluated: 2023-12-24. Review status: criteria provided, single submitter. Criteria: Ambry Variant Classification Scheme 2023. Collection method: clinical testing. Allele origin: germline.
Comment: The p.Q244E variant (also known as c.730C>G), located in coding exon 2 of the TERF2IP gene, results from a C to G substitution at nucleotide position 730. The glutamine at codon 244 is replaced by glutamic acid, an amino acid with highly similar properties. This amino acid position is conserved. In addition, this alteration is predicted to be tolerated by in silico analysis. Since supporting evidence is limited at this time, the clinical significance of this alteration remains unclear.

NM_018975.4(TERF2IP):c.730C>G (p.Gln244Glu)

Gene: TERF2IP (TERF2 interacting protein; plus strand). Cytogenetic location: 16q23.1.
Variant type: single nucleotide variant.
Coding change: c.730C>G on transcript NM_018975.4 (MANE Select); coding-DNA position 730, C replaced by G.
Protein change: p.Gln244Glu; replaces glutamine 244 with glutamic acid.
Molecular consequence: missense variant. On other transcripts: non-coding transcript variant (1).
Genome position (GRCh38, 1-based): chr16:75,654,332, C>G. VCF-style: chr16-75654332-C-G. GRCh37 (hg19) VCF-style: chr16-75688230-C-G.
Other names: short protein forms Q244E.
Identifiers: ClinVar variation 3227201 (VCV003227201.1), dbSNP rs2507086415, ClinGen allele CA396819114.